The following is an entry in ClinVar:

ClinVar aggregate classification (germline): Pathogenic (3 of 4 stars; one submission).

Conditions:
Breast-ovarian cancer, familial, susceptibility to, 2 (BROVCA2). Also called: BRCA2 Hereditary Breast and Ovarian Cancer. Identifiers: Orphanet 145, MedGen C2675520, MONDO:0012933, OMIM 612555. Disease mechanism: loss of function.

Allele frequency attached by ClinVar (database versions not stated): gnomAD exomes below 0.00001; ExAC 0.00001.

Submission:

Evidence-based Network for the Interpretation of Germline Mutant Alleles (ENIGMA)
Classification: Pathogenic for Breast-ovarian cancer, familial, susceptibility to, 2. Last evaluated: 2016-09-08. Review status: reviewed by expert panel. Criteria: ENIGMA BRCA1/2 Classification Criteria (2015). Collection method: curation. Allele origin: germline.
Comment: Variant allele predicted to encode a truncated non-functional protein.

NM_000059.4(BRCA2):c.2319del (p.Thr774fs)

Gene: BRCA2 (BRCA2 DNA repair associated; plus strand). Cytogenetic location: 13q13.1.
Variant type: Deletion.
Coding change: c.2319del on transcript NM_000059.4 (MANE Select); coding-DNA position 2319, one base deleted (T; older notation c.2319delT).
Protein change: p.Thr774fs; shifts the reading frame from threonine 774.
Molecular consequence: frameshift variant.
Genome position (GRCh38, 1-based): chr13:32,336,674, T deleted. VCF-style (leftmost placement, unchanged base first): chr13-32336673-CT-C. GRCh37 (hg19) VCF-style: chr13-32910810-CT-C.
Other names: c.2319delT (NM_000059.3); short protein forms T774fs.
Identifiers: ClinVar variation 254500 (VCV000254500.2), dbSNP rs774808238, ClinGen allele CA6940595.
Genomic context (GRCh38, chr13:32,336,673, plus strand): 5'-TTCAATCCCAGAAAAGTCTTTTATATGATCATGAAAATGCCAGCACTCTTATTTTAACTC[CT>C]ACTTCCAAGGATGTTCTGTCAAACCTAGTCATGATTTCTAGAGGCAAAGAATCATACAAA-3'